The following is an entry in ClinVar:

NM_000088.4(COL1A1):c.1056+1G>A

Gene: COL1A1 (collagen type I alpha 1 chain; minus strand). Cytogenetic location: 17q21.33.
Variant type: single nucleotide variant.
Coding change: c.1056+1G>A on transcript NM_000088.4 (MANE Select); the canonical splice donor site of the intron after coding-DNA position 1056, G replaced by A.
Molecular consequence: splice donor variant.
Genome position (GRCh38, 1-based): chr17:50,195,922, C>T on the plus strand (G>A on the coding strand, the complement: COL1A1 is on the minus strand). VCF-style: chr17-50195922-C-T. GRCh37 (hg19) VCF-style: chr17-48273283-C-T.
Identifiers: ClinVar variation 2138077 (VCV002138077.6), dbSNP rs72645364, ClinGen allele CA291547009.

ClinVar aggregate classification (germline): Pathogenic. Review status: criteria provided, multiple submitters, no conflicts (2 of 4 stars). 2 submissions from 2 submitters: Pathogenic (2). Last evaluated 2024-10-30.

Conditions:
Osteogenesis imperfecta type I (OI1). Also called: OI, TYPE I; OSTEOGENESIS IMPERFECTA TARDA; OSTEOGENESIS IMPERFECTA WITH BLUE SCLERAE; Osteogenesis imperfecta type 1; Lobstein disease; Lobstein's Disease. Identifiers: Orphanet 216796, Orphanet 666, MedGen C0023931, MONDO:0008146, OMIM 166200. Disease mechanism: loss of function.

Submissions (3):

Labcorp Genetics (formerly Invitae), Labcorp
Classification: Pathogenic for Osteogenesis imperfecta type I. Last evaluated: 2024-10-30. Review status: criteria provided, single submitter. Criteria: Invitae Variant Classification Sherloc (09022015). Collection method: clinical testing. Allele origin: germline.
Comment: This sequence change affects a donor splice site in intron 16 of the COL1A1 gene. It is expected to disrupt RNA splicing. Variants that disrupt the donor or acceptor splice site typically lead to a loss of protein function (PMID: 16199547), and loss-of-function variants in COL1A1 are known to be pathogenic (PMID: 7942841, 9295084, 9443882). This variant is not present in population databases (gnomAD no frequency). Disruption of this splice site has been observed in individual(s) with osteogenesis imperfecta (PMID: 17078022, 30886339). This variant is also known as IVS16 +1G>A. ClinVar contains an entry for this variant (Variation ID: 2138077). Algorithms developed to predict the effect of sequence changes on RNA splicing suggest that this variant may disrupt the consensus splice site. For these reasons, this variant has been classified as Pathogenic.

GeneDx
Classification: Pathogenic. Last evaluated: 2024-07-25. Review status: criteria provided, single submitter. Criteria: GeneDx Variant Classification Process June 2021. Collection method: clinical testing. Allele origin: germline. Affected: yes.
Comment: Damages or destroys the splice donor site in intron 16, and is expected to cause abnormal gene splicing; if the splice outcome is exon skip, the loss of the encoded residues in the triple helical region is expected to disrupt normal protein folding and function, and this is an established mechanism of disease (HGMD); Not observed at significant frequency in large population cohorts (gnomAD); This variant is associated with the following publications: (PMID: 30886339, 31429852, 30715774, 25525159, 17078022, 25963598, 24668929)

Dr. Peter K. Rogan Lab, Western University
No classification provided (evidence only). Condition: Uterine corpus endometrial carcinoma. Review status: no classification provided. Collection method: in vitro. Allele origin: not applicable. Functional consequence: retained intron. Not counted in ClinVar's aggregate classification.

Literature cited by the submitters: PubMed 16199547 (cited by Labcorp Genetics (formerly Invitae), Labcorp); PubMed 7942841 (cited by Labcorp Genetics (formerly Invitae), Labcorp); PubMed 9295084 (cited by Labcorp Genetics (formerly Invitae), Labcorp); PubMed 9443882 (cited by Labcorp Genetics (formerly Invitae), Labcorp); PubMed 17078022 (cited by Labcorp Genetics (formerly Invitae), Labcorp); PubMed 30886339 (cited by Labcorp Genetics (formerly Invitae), Labcorp).